The following is an entry in ClinVar:

NM_030665.4(RAI1):c.2862G>A (p.Glu954=)

Gene: RAI1 (retinoic acid induced 1; plus strand). Cytogenetic location: 17p11.2.
Variant type: single nucleotide variant.
Coding change: c.2862G>A on transcript NM_030665.4 (MANE Select); coding-DNA position 2862, G replaced by A.
Protein change: p.Glu954=; no amino-acid change (glutamic acid 954 retained).
Molecular consequence: synonymous variant.
Genome position (GRCh38, 1-based): chr17:17,795,810, G>A. VCF-style: chr17-17795810-G-A. GRCh37 (hg19) VCF-style: chr17-17699124-G-A.
Other names: c.2862G>A (NM_030665.3).
Identifiers: ClinVar variation 2051412 (VCV002051412.5), dbSNP rs200618301, ClinGen allele CA8418618.

ClinVar aggregate classification (germline): Likely benign. Review status: criteria provided, multiple submitters, no conflicts (2 of 4 stars). 2 submissions from 2 submitters: Likely benign (2). Last evaluated 2026-07-21.

Conditions:
RAI1-related disorder. Also called: RAI1-related condition.

Allele frequency attached by ClinVar (database versions not stated): gnomAD exomes 0.00003; 1000 Genomes Project 0.00020; 1000 Genomes Project 30x 0.00031; ExAC 0.00001; TOPMed 0.00002; gnomAD 0.00003.
gnomAD v4.1: 49 of 1,613,614 alleles (0.003%); highest among the groups gnomAD compares: Non-Finnish European, 0.0042%; no homozygotes.

Submissions (2):

PreventionGenetics, part of Exact Sciences
Classification: Likely benign for RAI1-related condition. Last evaluated: 2026-07-21. Review status: criteria provided, single submitter. Criteria: ACMG Guidelines, 2015. Collection method: clinical testing. Allele origin: germline.
Comment: This variant is classified as likely benign based on ACMG/AMP sequence variant interpretation guidelines (Richards et al. 2015 PMID: 25741868, with internal and published modifications).

Labcorp Genetics (formerly Invitae), Labcorp
Classification: Likely benign. Last evaluated: 2025-09-10. Review status: criteria provided, single submitter. Criteria: Invitae Variant Classification Sherloc (09022015). Collection method: clinical testing. Allele origin: germline.